The following is an entry in ClinVar:

NM_012470.4(TNPO3):c.2542del (p.Tyr848fs)

Gene: TNPO3 (transportin 3; minus strand). Cytogenetic location: 7q32.1.
Variant type: Deletion.
Coding change: c.2542del on transcript NM_012470.4 (MANE Select); coding-DNA position 2542, one base deleted (T; older notation c.2542delT).
Protein change: p.Tyr848fs; shifts the reading frame from tyrosine 848.
Molecular consequence: frameshift variant. On other transcripts: non-coding transcript variant (18).
Genome position (GRCh38, 1-based): chr7:128,970,204, A deleted on the plus strand (T on the coding strand, the reverse complement: TNPO3 is on the minus strand). VCF-style (leftmost placement, unchanged base first): chr7-128970203-TA-T. GRCh37 (hg19) VCF-style: chr7-128610257-TA-T.
Other names: c.2350del, p.Tyr784fs (NM_001191028.3, NM_001382223.1); c.2644del, p.Tyr882fs (NM_001382216.1); c.2623del, p.Tyr875fs (NM_001382217.1); c.2542del, p.Tyr848fs (NM_001382218.1); c.2434del, p.Tyr812fs (NM_001382219.1); c.2401del, p.Tyr801fs (NM_001382220.1); c.2398del, p.Tyr800fs (NM_001382221.1); c.2395del, p.Tyr799fs (NM_001382222.1); and 1 more; short protein forms Y784fs, Y848fs, Y799fs, Y800fs, Y801fs, Y812fs, Y875fs, Y882fs.
Identifiers: ClinVar variation 265274 (VCV000265274.19), dbSNP rs773574448, ClinGen allele CA4477852.

ClinVar aggregate classification (germline): Uncertain significance. Review status: criteria provided, multiple submitters, no conflicts (2 of 4 stars). 5 submissions from 5 submitters: Uncertain significance (5). Last evaluated 2025-08-25.

Conditions:
Autosomal dominant limb-girdle muscular dystrophy type 1F (LGMDD2). Also called: MUSCULAR DYSTROPHY, LIMB-GIRDLE, AUTOSOMAL DOMINANT 2; Limb-girdle muscular dystrophy, type 1F. Identifiers: Orphanet 55595, MedGen C1842062, MONDO:0012034, OMIM 608423.

Allele frequency attached by ClinVar (database versions not stated): gnomAD 0.00002 and 0.00003; gnomAD exomes 0.00003 and 0.00004; ExAC 0.00004; TOPMed 0.00004.

Submissions (5):

Labcorp Genetics (formerly Invitae), Labcorp
Classification: Uncertain significance for Autosomal dominant limb-girdle muscular dystrophy type 1F. Last evaluated: 2025-08-25. Review status: criteria provided, single submitter. Criteria: Invitae Variant Classification Sherloc (09022015). Collection method: clinical testing. Allele origin: germline.
Comment: This sequence change creates a premature translational stop signal (p.Tyr848Ilefs*25) in the TNPO3 gene. It is expected to result in an absent or disrupted protein product. However, the current clinical and genetic evidence is not sufficient to establish whether loss-of-function variants in TNPO3 cause disease. This variant is present in population databases (rs773574448, gnomAD 0.02%). This premature translational stop signal has been observed in individual(s) with TNPO3-related conditions (PMID: 31674007). ClinVar contains an entry for this variant (Variation ID: 265274). In summary, the available evidence is currently insufficient to determine the role of this variant in disease. Therefore, it has been classified as a Variant of Uncertain Significance.

GeneDx
Classification: Uncertain significance. Last evaluated: 2025-08-01. Review status: criteria provided, single submitter. Criteria: GeneDx Variant Classification Process June 2021. Collection method: clinical testing. Allele origin: germline. Affected: yes.
Comment: Identified in an individual with a developmental disorder who also had variants in several other genes associated with neurodevelopmental disorders (PMID: 28135719); Frameshift variant predicted to result in protein truncation or nonsense mediated decay in a gene or region of a gene for which loss of function is not a well-established mechanism of disease; This variant is associated with the following publications: (PMID: 31674007, 31785789, 33057194, 36368308, 34312540, 35982159, 28135719)

Genomic Research Center, Shahid Beheshti University of Medical Sciences
Classification: Uncertain significance. Last evaluated: 2019-04-27. Review status: criteria provided, single submitter. Criteria: ACMG Guidelines, 2015. Collection method: clinical testing. Allele origin: unknown. Affected: yes.

CENTOGENE GmbH and LLC - Guiding Precision Medicine
Classification: Uncertain significance for Autosomal dominant limb-girdle muscular dystrophy type 1F. Last evaluated: 2018-05-29. Review status: criteria provided, single submitter. Criteria: ACMG Guidelines, 2015. Collection method: clinical testing. Allele origin: germline. Affected: yes.

Eurofins Ntd Llc (ga)
Classification: Uncertain significance. Last evaluated: 2017-06-01. Review status: criteria provided, single submitter. Criteria: EGL Classification Definitions 2015. Collection method: clinical testing. Allele origin: germline. Observed: 1 variant allele, 1 heterozygote.

Literature cited by the submitters: PubMed 31674007 (cited by Labcorp Genetics (formerly Invitae), Labcorp).